The following is an entry in ClinVar:

NM_015102.5(NPHP4):c.1542G>A (p.Pro514=)

Gene: NPHP4 (nephrocystin 4; minus strand). Cytogenetic location: 1p36.31.
Variant type: single nucleotide variant.
Coding change: c.1542G>A on transcript NM_015102.5 (MANE Select); coding-DNA position 1542, G replaced by A.
Protein change: p.Pro514=; no amino-acid change (proline 514 retained).
Molecular consequence: synonymous variant. On other transcripts: non-coding transcript variant (1), intron variant (2).
Genome position (GRCh38, 1-based): chr1:5,907,184, C>T on the plus strand (G>A on the coding strand, the complement: NPHP4 is on the minus strand). VCF-style: chr1-5907184-C-T. GRCh37 (hg19) VCF-style: chr1-5967244-C-T.
Other names: p.Pro514=; c.76-1401G>A (NM_001291594.2); c.76-1404G>A (NM_001291593.2).
Identifiers: ClinVar variation 219984 (VCV000219984.22), dbSNP rs35264155, ClinGen allele CA350487.

ClinVar aggregate classification (germline): Benign/Likely benign. Review status: criteria provided, multiple submitters, no conflicts (2 of 4 stars). 9 submissions from 8 submitters: Benign (4); Likely benign (3). 2 of the submissions do not count toward it. Last evaluated 2026-01-12.

Conditions:
Nephronophthisis 4 (NPHP4). Also called: NEPHRONOPHTHISIS 4, JUVENILE. Identifiers: Orphanet 655, MedGen C1847013, MONDO:0011752, OMIM 606966.
Senior-Loken syndrome 4 (SLSN4). Identifiers: Orphanet 3156, MedGen C1846979, MONDO:0011756, OMIM 606996.
Nephronophthisis. Also called: Juvenile Nephronophthisis. Identifiers: Orphanet 655, MedGen C0687120, MONDO:0019005, HP:0000090.

Allele frequency attached by ClinVar (database versions not stated): gnomAD exomes 0.00133; ExAC 0.00348; 1000 Genomes Project 30x 0.00484; 1000 Genomes Project 0.00519; gnomAD 0.00633 and 0.00677; TOPMed 0.00671; ESP Exome Variant Server 0.00701.
gnomAD v4.1: 1,803 of 1,588,102 alleles (0.11%); highest among the groups gnomAD compares: African/African-American, 2.2%; 13 homozygotes.

Submissions (9):

Labcorp Genetics (formerly Invitae), Labcorp
Classification: Benign for Nephronophthisis. Last evaluated: 2026-01-12. Review status: criteria provided, single submitter. Criteria: Invitae Variant Classification Sherloc (09022015). Collection method: clinical testing. Allele origin: germline.

Blueprint Genetics
Classification: Likely benign. Last evaluated: 2024-10-09. Review status: criteria provided, single submitter. Criteria: ACMG Guidelines, 2015. Collection method: clinical testing. Allele origin: germline.

Mayo Clinic Laboratories, Mayo Clinic
Classification: Likely benign. Last evaluated: 2024-09-27. Review status: criteria provided, single submitter. Criteria: ACMG Guidelines, 2015. Collection method: clinical testing. Allele origin: germline. Observed: 10 variant alleles.
Comment: BS1, BP4, BP7

Fulgent Genetics
Classification: Likely benign for Nephronophthisis 4; Senior-Loken syndrome 4. Last evaluated: 2021-07-13. Review status: criteria provided, single submitter. Criteria: ACMG Guidelines, 2015. Collection method: clinical testing. Allele origin: unknown.

Illumina Laboratory Services, Illumina
Classification: Benign for Nephronophthisis 4. Last evaluated: 2018-01-12. Review status: criteria provided, single submitter. Criteria: ICSL Variant Classification Criteria 13 December 2019. Collection method: clinical testing. Allele origin: germline.
Comment: This variant was observed in the ICSL laboratory as part of a predisposition screen in an ostensibly healthy population. It had not been previously curated by ICSL or reported in the Human Gene Mutation Database (HGMD: prior to June 1st, 2018), and was therefore a candidate for classification through an automated scoring system. Utilizing variant allele frequency, disease prevalence and penetrance estimates, and inheritance mode, an automated score was calculated to assess if this variant is too frequent to cause the disease. Based on the score and internal cut-off values, a variant classified as benign is not then subjected to further curation. The score for this variant resulted in a classification of benign for this disease.

Illumina Laboratory Services, Illumina
Classification: Benign for Senior-Loken syndrome 4. Last evaluated: 2018-01-12. Review status: criteria provided, single submitter. Criteria: ICSL Variant Classification Criteria 13 December 2019. Collection method: clinical testing. Allele origin: germline.
Comment: the same text as in the submission from Illumina Laboratory Services, Illumina above.

Breakthrough Genomics
Classification: Benign. Review status: criteria provided, single submitter. Criteria: ACMG Guidelines, 2015. Collection method: not provided. Allele origin: germline. Inheritance: Autosomal recessive inheritance. Affected: yes.

Clinical Genetics DNA and cytogenetics Diagnostics Lab, Erasmus MC, Erasmus Medical Center
Classification: Benign. Review status: no assertion criteria provided. Collection method: clinical testing. Allele origin: germline. Affected: yes. Study: VKGL Data-share Consensus. Not counted in ClinVar's aggregate classification.

Clinical Genetics, Academic Medical Center
Classification: Benign. Review status: no assertion criteria provided. Collection method: clinical testing. Allele origin: germline. Affected: yes. Study: VKGL Data-share Consensus. Not counted in ClinVar's aggregate classification.